The following is an entry in ClinVar:

NM_033409.4(SLC52A3):c.403A>G (p.Thr135Ala)

Gene: SLC52A3 (solute carrier family 52 member 3; minus strand). Cytogenetic location: 20p13.
Variant type: single nucleotide variant.
Coding change: c.403A>G on transcript NM_033409.4 (MANE Select); coding-DNA position 403, A replaced by G.
Protein change: p.Thr135Ala; replaces threonine 135 with alanine.
Molecular consequence: missense variant.
Genome position (GRCh38, 1-based): chr20:765,372, T>C on the plus strand (A>G on the coding strand, the complement: SLC52A3 is on the minus strand). VCF-style: chr20-765372-T-C. GRCh37 (hg19) VCF-style: chr20-746016-T-C.
Other names: c.403A>G, p.Thr135Ala (NM_001370085.1, NM_001370086.1); short protein forms T135A.
Identifiers: ClinVar variation 210031 (VCV000210031.10), dbSNP rs527853872, ClinGen allele CA346999.

ClinVar aggregate classification (germline): Uncertain significance. Review status: criteria provided, multiple submitters, no conflicts (2 of 4 stars). 4 submissions from 4 submitters: Uncertain significance (4). Last evaluated 2026-06-16.

Conditions:
SLC52A3-related disorder. Also called: SLC52A3-related condition.
Inborn genetic diseases. Identifiers: MedGen C0950123, MeSH D030342.
Brown-Vialetto-van Laere syndrome 1. Also called: BROWN-VIALETTO-VAN LAERE SYNDROME 1, MILD; BULBAR PALSY, PROGRESSIVE, WITH SENSORINEURAL DEAFNESS; PONTOBULBAR PALSY WITH DEAFNESS. Identifiers: Orphanet 572550, Orphanet 97229, MedGen C0796274, MONDO:0024537, OMIM 211530.

Allele frequency attached by ClinVar (database versions not stated): ExAC 0.00004; gnomAD exomes 0.00005 and 0.00013; TOPMed 0.00006; gnomAD 0.00008 and 0.00009.
gnomAD v4.1: 202 of 1,613,644 alleles (0.013%); highest among the groups gnomAD compares: Non-Finnish European, 0.016%; no homozygotes.

Submissions (4):

PreventionGenetics, part of Exact Sciences
Classification: Uncertain significance for SLC52A3-related condition. Last evaluated: 2026-06-16. Review status: criteria provided, single submitter. Criteria: ACMG Guidelines, 2015. Collection method: clinical testing. Allele origin: germline.
Comment: The SLC52A3 c.403A>G variant is predicted to result in the amino acid substitution p.Thr135Ala. This variant was reported in heterozygous state in absence of a second SLC5213 variant in an individual with Brown-Vialetto-Van Laere syndrome (Manole et al. 2017. PubMed ID: 29053833). This variant is reported in 0.0093% of alleles in individuals of European (Non-Finnish) descent in gnomAD. At this time, the clinical significance of this variant is uncertain due to the absence of conclusive functional and genetic evidence.

GeneDx
Classification: Uncertain significance. Last evaluated: 2024-12-02. Review status: criteria provided, single submitter. Criteria: GeneDx Variant Classification Process June 2021. Collection method: clinical testing. Allele origin: germline. Affected: yes.
Comment: Identified in the single heterozygous state in an individual with Brown-Vialetto-Van Laere syndrome, however it is unclear if this individual harbored a second SLC52A3 variant (PMID: 29053833); Not observed at significant frequency in large population cohorts (gnomAD); In silico analysis indicates that this missense variant does not alter protein structure/function; This variant is associated with the following publications: (PMID: 26072523, 29053833)

Ambry Genetics
Classification: Uncertain significance for Inborn genetic diseases. Last evaluated: 2022-10-27. Review status: criteria provided, single submitter. Criteria: Ambry Variant Classification Scheme 2023. Collection method: clinical testing. Allele origin: germline.

Labcorp Genetics (formerly Invitae), Labcorp
Classification: Uncertain significance for Brown-Vialetto-van Laere syndrome 1. Last evaluated: 2022-07-12. Review status: criteria provided, single submitter. Criteria: Invitae Variant Classification Sherloc (09022015). Collection method: clinical testing. Allele origin: germline.
Comment: This sequence change replaces threonine, which is neutral and polar, with alanine, which is neutral and non-polar, at codon 135 of the SLC52A3 protein (p.Thr135Ala). This variant is present in population databases (rs527853872, gnomAD 0.009%). This missense change has been observed in individual(s) with Brown-Vialetto-Van Laere (BVVL) syndrome (PMID: 29053833). ClinVar contains an entry for this variant (Variation ID: 210031). Algorithms developed to predict the effect of missense changes on protein structure and function output the following: SIFT: "Tolerated"; PolyPhen-2: "Benign"; Align-GVGD: "Class C0". The alanine amino acid residue is found in multiple mammalian species, which suggests that this missense change does not adversely affect protein function. In summary, the available evidence is currently insufficient to determine the role of this variant in disease. Therefore, it has been classified as a Variant of Uncertain Significance.

Literature cited by the submitters: PubMed 29053833 (cited by Ambry Genetics and Labcorp Genetics (formerly Invitae), Labcorp).